The following is an entry in ClinVar:

NM_020884.7(MYH7B):c.4242C>T (p.Ala1414=)

Gene: MYH7B (myosin heavy chain 7B; plus strand). Cytogenetic location: 20q11.22.
Variant type: single nucleotide variant.
Coding change: c.4242C>T on transcript NM_020884.7 (MANE Select); coding-DNA position 4242, C replaced by T.
Protein change: p.Ala1414=; no amino-acid change (alanine 1414 retained).
Molecular consequence: synonymous variant.
Genome position (GRCh38, 1-based): chr20:34,999,107, C>T. VCF-style: chr20-34999107-C-T. GRCh37 (hg19) VCF-style: chr20-33586910-C-T.
Identifiers: ClinVar variation 2779831 (VCV002779831.3), dbSNP rs2519226816, ClinGen allele CA510478418.

ClinVar aggregate classification (germline): Uncertain significance (1 of 4 stars; one submission).

Allele frequency attached by ClinVar (database versions not stated): gnomAD exomes below 0.00001.
gnomAD v4.1: 1 of 1,613,312 alleles (0.000062%); highest among the groups gnomAD compares: Admixed American, 0.0017%; no homozygotes.

Submission:

Labcorp Genetics (formerly Invitae), Labcorp
Classification: Uncertain significance. Last evaluated: 2023-01-14. Review status: criteria provided, single submitter. Criteria: Invitae Variant Classification Sherloc (09022015). Collection method: clinical testing. Allele origin: germline.
Comment: This sequence change affects codon 1456 of the MYH7B mRNA. It is a 'silent' change, meaning that it does not change the encoded amino acid sequence of the MYH7B protein. This variant is not present in population databases (gnomAD no frequency). This variant has not been reported in the literature in individuals affected with MYH7B-related conditions. Algorithms developed to predict the effect of sequence changes on RNA splicing suggest that this variant may create or strengthen a splice site. In summary, the available evidence is currently insufficient to determine the role of this variant in disease. Therefore, it has been classified as a Variant of Uncertain Significance.